The following is an entry in ClinVar:

ClinVar aggregate classification (germline): Likely benign. Review status: criteria provided, multiple submitters, no conflicts (2 of 4 stars). 3 submissions from 3 submitters: Likely benign (3). Last evaluated 2025-07-06.

Conditions:
Cholestasis, progressive familial intrahepatic, 10 (PFIC10). Identifiers: MedGen C5676981, MONDO:0030810, OMIM 619868.
Congenital microvillous atrophy (DIAR2). Also called: CONGENITAL FAMILIAL PROTRACTED DIARRHEA WITH ENTEROCYTE BRUSH-BORDER ABNORMALITIES; DAVIDSON DISEASE; MICROVILLUS ATROPHY, CONGENITAL; Microvillus inclusion disease; Diarrhea 2 with microvillus atrophy, with or without cholestasis. Identifiers: Orphanet 2290, MedGen C0341306, MONDO:0009635, OMIM 251850.

Allele frequency attached by ClinVar (database versions not stated): ExAC 0.00002; gnomAD exomes 0.00003; TOPMed 0.00003; gnomAD 0.00005.
gnomAD v4.1: 47 of 1,614,042 alleles (0.0029%); highest among the groups gnomAD compares: Middle Eastern, 0.016%; no homozygotes.

Submissions (3):

Labcorp Genetics (formerly Invitae), Labcorp
Classification: Likely benign. Last evaluated: 2025-07-06. Review status: criteria provided, single submitter. Criteria: Invitae Variant Classification Sherloc (09022015). Collection method: clinical testing. Allele origin: germline.

CeGaT Center for Human Genetics Tuebingen
Classification: Likely benign. Last evaluated: 2024-04-01. Review status: criteria provided, single submitter. Criteria: CeGaT Center For Human Genetics Tuebingen Variant Classification Criteria Version 2. Collection method: clinical testing. Allele origin: germline. Affected: yes. Observed: 1 variant allele.
Comment: MYO5B: BP4, BP7

Fulgent Genetics
Classification: Likely benign for Congenital microvillous atrophy; Cholestasis, progressive familial intrahepatic, 10. Last evaluated: 2022-01-05. Review status: criteria provided, single submitter. Criteria: ACMG Guidelines, 2015. Collection method: clinical testing. Allele origin: unknown.

NM_001080467.3(MYO5B):c.4764C>T (p.Thr1588=)

Genes: MYO5B (myosin VB; minus strand), SNHG22 (small nucleolar RNA host gene 22; plus strand). Cytogenetic location: 18q21.1.
Variant type: single nucleotide variant.
Coding change: c.4764C>T on transcript NM_001080467.3 (MANE Select); coding-DNA position 4764, C replaced by T.
Protein change: p.Thr1588=; no amino-acid change (threonine 1588 retained).
Molecular consequence: synonymous variant.
Genome position (GRCh38, 1-based): chr18:49,839,232, G>A on the plus strand (C>T on the coding strand, the complement: MYO5B is on the minus strand). VCF-style: chr18-49839232-G-A. GRCh37 (hg19) VCF-style: chr18-47365602-G-A.
Identifiers: ClinVar variation 1626596 (VCV001626596.29), dbSNP rs747139348, ClinGen allele CA8960230.